The following is an entry in ClinVar:

NM_003001.5(SDHC):c.178A>G (p.Ser60Gly)

Gene: SDHC (succinate dehydrogenase complex subunit C; plus strand). Cytogenetic location: 1q23.3.
Variant type: single nucleotide variant.
Coding change: c.178A>G on transcript NM_003001.5 (MANE Select); coding-DNA position 178, A replaced by G.
Protein change: p.Ser60Gly; replaces serine 60 with glycine.
Molecular consequence: missense variant. On other transcripts: non-coding transcript variant (1), intron variant (4).
Genome position (GRCh38, 1-based): chr1:161,328,496, A>G. VCF-style: chr1-161328496-A-G. GRCh37 (hg19) VCF-style: chr1-161298286-A-G.
Other names: c.178A>G, p.Ser60Gly (NM_001035511.3); c.178A>G, p.Arg60Gly (NM_001407115.1); c.121A>G, p.Ser41Gly (NM_001407116.1, NM_001407117.1, NM_001407121.1); c.67A>G, p.Ser23Gly (NM_001407119.1, NM_001407120.1); c.77+4826A>G (NM_001035512.3, NM_001278172.3, NM_001407118.1); c.21-12098A>G (NM_001035513.3); short protein forms S60G, S23G, R60G, S41G.
Identifiers: ClinVar variation 642925 (VCV000642925.13), dbSNP rs1571851728, ClinGen allele CA343361380.
Genomic context (GRCh38, chr1:161,328,496, plus strand): 5'-CGGTTCTGGAATAAGAATATAGGTTCAAACCGTCCTCTGTCTCCCCACATTACTATCTAC[A>G]GGTAAGGAAGGATTCTGGAGCCAGAGAATCTAGAGGTAGTGGGTGAAAGTTCTGAAGGTT-3'
Protein context (NP_002992.1, residues 50-70): RPLSPHITIY[Ser60Gly]WSLPMAMSIC

ClinVar aggregate classification (germline): Uncertain significance. Review status: criteria provided, multiple submitters, no conflicts (2 of 4 stars). 2 submissions from 2 submitters: Uncertain significance (2). Last evaluated 2025-09-23.

Conditions:
Hereditary cancer-predisposing syndrome. Also called: Hereditary Cancer Syndrome; Tumor predisposition; Neoplastic Syndromes, Hereditary; Hereditary neoplastic syndrome. Identifiers: Orphanet 140162, MedGen C0027672, MeSH D009386, MONDO:0015356.
Gastrointestinal stromal tumor. Also called: Gastrointestinal stromal tumor, somatic; Gastrointestinal stroma tumor. Identifiers: Orphanet 44890, MedGen C0238198, MeSH D046152, MONDO:0011719, OMIM 606764, HP:0100723.
Pheochromocytoma/paraganglioma syndrome 3. Also called: SDHC-Related Hereditary Paraganglioma-Pheochromocytoma Syndrome (Paragangliomas 3); SDHC-Related Hereditary Paraganglioma-Pheochromocytoma Syndrome; Paragangliomas 3; GLOMUS TUMORS, FAMILIAL, 3. Identifiers: Orphanet 29072, MedGen C1854336, MONDO:0011544, OMIM 605373.

Allele frequency attached by ClinVar (database versions not stated): gnomAD exomes below 0.00001.
gnomAD v4.1: 1 of 1,587,848 alleles (0.000063%); highest among the groups gnomAD compares: Non-Finnish European, 0.000087%; no homozygotes.

Submissions (2):

Labcorp Genetics (formerly Invitae), Labcorp
Classification: Uncertain significance for Pheochromocytoma/paraganglioma syndrome 3; Gastrointestinal stromal tumor. Last evaluated: 2025-09-23. Review status: criteria provided, single submitter. Criteria: Invitae Variant Classification Sherloc (09022015). Collection method: clinical testing. Allele origin: germline.
Comment: This sequence change replaces serine, which is neutral and polar, with glycine, which is neutral and non-polar, at codon 60 of the SDHC protein (p.Ser60Gly). This variant is not present in population databases (gnomAD no frequency). This variant has not been reported in the literature in individuals affected with SDHC-related conditions. ClinVar contains an entry for this variant (Variation ID: 642925). An algorithm developed to predict the effect of missense changes on protein structure and function outputs the following: PolyPhen-2: "Benign". The glycine amino acid residue is found in multiple mammalian species, which suggests that this missense change does not adversely affect protein function. In summary, the available evidence is currently insufficient to determine the role of this variant in disease. Therefore, it has been classified as a Variant of Uncertain Significance.

Ambry Genetics
Classification: Uncertain significance for Hereditary cancer-predisposing syndrome. Last evaluated: 2025-01-16. Review status: criteria provided, single submitter. Criteria: Ambry Variant Classification Scheme 2023. Collection method: clinical testing. Allele origin: germline.
Comment: The p.S60G variant (also known as c.178A>G), located in coding exon 3 of the SDHC gene, results from an A to G substitution at nucleotide position 178. The serine at codon 60 is replaced by glycine, an amino acid with similar properties. This amino acid position is conserved. In addition, the in silico prediction for this alteration is inconclusive. Based on the available evidence, the clinical significance of this variant remains unclear.